The following is an entry in ClinVar:

NM_080680.3(COL11A2):c.1867C>T (p.Pro623Ser)

Gene: COL11A2 (collagen type XI alpha 2 chain; minus strand). Cytogenetic location: 6p21.32.
Variant type: single nucleotide variant.
Coding change: c.1867C>T on transcript NM_080680.3 (MANE Select); coding-DNA position 1867, C replaced by T.
Protein change: p.Pro623Ser; replaces proline 623 with serine.
Molecular consequence: missense variant.
Genome position (GRCh38, 1-based): chr6:33,178,137, G>A on the plus strand (C>T on the coding strand, the complement: COL11A2 is on the minus strand). VCF-style: chr6-33178137-G-A. GRCh37 (hg19) VCF-style: chr6-33145914-G-A.
Other names: c.1546C>T, p.Pro516Ser (NM_080679.3); c.1609C>T, p.Pro537Ser (NM_080681.3); short protein forms P516S, P537S, P623S.
Identifiers: ClinVar variation 1444424 (VCV001444424.8), dbSNP rs553386615, ClinGen allele CA137073151.

ClinVar aggregate classification (germline): Uncertain significance (1 of 4 stars; one submission).

gnomAD v4.1: 4 of 1,609,322 alleles (0.00025%); highest among the groups gnomAD compares: South Asian, 0.0011%; no homozygotes.

Submission:

Labcorp Genetics (formerly Invitae), Labcorp
Classification: Uncertain significance. Last evaluated: 2025-12-08. Review status: criteria provided, single submitter. Criteria: Invitae Variant Classification Sherloc (09022015). Collection method: clinical testing. Allele origin: germline.
Comment: This sequence change replaces proline, which is neutral and non-polar, with serine, which is neutral and polar, at codon 623 of the COL11A2 protein (p.Pro623Ser). This variant is not present in population databases (gnomAD no frequency). This variant has not been reported in the literature in individuals affected with COL11A2-related conditions. ClinVar contains an entry for this variant (Variation ID: 1444424). Invitae Evidence Modeling of protein sequence and biophysical properties (such as structural, functional, and spatial information, amino acid conservation, physicochemical variation, residue mobility, and thermodynamic stability) indicates that this missense variant is not expected to disrupt COL11A2 protein function with a negative predictive value of 95%. In summary, the available evidence is currently insufficient to determine the role of this variant in disease. Therefore, it has been classified as a Variant of Uncertain Significance.